The following is an entry in ClinVar:

ClinVar aggregate classification (germline): Uncertain significance (1 of 4 stars; one submission).

Submission:

Labcorp Genetics (formerly Invitae), Labcorp
Classification: Uncertain significance. Last evaluated: 2022-05-16. Review status: criteria provided, single submitter. Criteria: Invitae Variant Classification Sherloc (09022015). Collection method: clinical testing. Allele origin: germline.
Comment: This sequence change replaces glycine, which is neutral and non-polar, with glutamic acid, which is acidic and polar, at codon 965 of the CACNA1B protein (p.Gly965Glu). Information on the frequency of this variant in the gnomAD database is not available, as this variant may be reported differently in the database. This variant has not been reported in the literature in individuals affected with CACNA1B-related conditions. Algorithms developed to predict the effect of missense changes on protein structure and function are either unavailable or do not agree on the potential impact of this missense change (SIFT: "Not Available"; PolyPhen-2: "Benign"; Align-GVGD: "Not Available"). In summary, the available evidence is currently insufficient to determine the role of this variant in disease. Therefore, it has been classified as a Variant of Uncertain Significance.

NM_000718.4(CACNA1B):c.2894_2895delinsAA (p.Gly965Glu)

Gene: CACNA1B (calcium voltage-gated channel subunit alpha1 B; plus strand). Cytogenetic location: 9q34.3.
Variant type: Indel.
Coding change: c.2894_2895delinsAA on transcript NM_000718.4 (MANE Select); coding-DNA positions 2894 to 2895, GG replaced by AA.
Protein change: p.Gly965Glu; replaces glycine 965 with glutamic acid.
Molecular consequence: missense variant.
Genome position (GRCh38, 1-based): chr9:138,023,637-138,023,638, GG replaced by AA. VCF-style: chr9-138023637-GG-AA. GRCh37 (hg19) VCF-style: chr9-140918089-GG-AA.
Other names: c.2894_2895delinsAA, p.Gly965Glu (NM_001243812.2); short protein forms G965E.
Identifiers: ClinVar variation 1948352 (VCV001948352.2), dbSNP rs2539375368, ClinGen allele CA2580081122.
Genomic context (GRCh38, chr9:138,023,637, plus strand): 5'-AGGAGTGCGCCGGCGCCAAGGGCGAGCGGCGCGCGCGGCACCGCGGCGGCCCCCGAGCGG[GG>AA]CCCCGGGAGGCGGAGAGCGGGGAGGAGCCGGCGCGGCGGCACCGGGCCCGGCACAAGGCG-3'
Protein context (NP_000709.1, residues 955-975): RARHRGGPRA[Gly965Glu]PREAESGEEP